The following is an entry in ClinVar:

NM_004380.3(CREBBP):c.3242G>A (p.Arg1081His)

Gene: CREBBP (CREB binding lysine acetyltransferase; minus strand). Cytogenetic location: 16p13.3.
Variant type: single nucleotide variant.
Coding change: c.3242G>A on transcript NM_004380.3 (MANE Select); coding-DNA position 3242, G replaced by A.
Protein change: p.Arg1081His; replaces arginine 1081 with histidine.
Molecular consequence: missense variant.
Genome position (GRCh38, 1-based): chr16:3,767,728, C>T on the plus strand (G>A on the coding strand, the complement: CREBBP is on the minus strand). VCF-style: chr16-3767728-C-T. GRCh37 (hg19) VCF-style: chr16-3817729-C-T.
Other names: c.3128G>A, p.Arg1043His (NM_001079846.1); short protein forms R1081H, R1043H.
Identifiers: ClinVar variation 2973401 (VCV002973401.4), dbSNP rs780618828, ClinGen allele CA277006770.

ClinVar aggregate classification (germline): Uncertain significance. Review status: criteria provided, multiple submitters, no conflicts (2 of 4 stars). 2 submissions from 2 submitters: Uncertain significance (2). Last evaluated 2025-05-07.

Conditions:
Menke-Hennekam syndrome 1 (MKHK1). Identifiers: MedGen C5193034, MONDO:0020763, OMIM 618332.
Rubinstein-Taybi syndrome due to CREBBP mutations (RSTS1). Also called: RUBINSTEIN-TAYBI SYNDROME 1, INCOMPLETE; BROAD THUMB-HALLUX SYNDROME; Rubinstein-Taybi syndrome 1; CREBBP-Related Rubinstein-Taybi Syndrome; BROAD THUMBS AND GREAT TOES, CHARACTERISTIC FACIES, AND IMPAIRED INTELLECTUAL DEVELOPMENT; RUBINSTEIN SYNDROME. Identifiers: Orphanet 353277, Orphanet 783, MedGen C4551859, MONDO:0008393, OMIM 180849.
Rubinstein-Taybi syndrome (RSTS). Identifiers: Orphanet 783, MedGen C0035934, MONDO:0019188.

Allele frequency attached by ClinVar (database versions not stated): TOPMed below 0.00001.
gnomAD v4.1: 3 of 1,614,130 alleles (0.00019%); highest among the groups gnomAD compares: Non-Finnish European, 0.00025%; no homozygotes.

Submissions (2):

Labcorp Genetics (formerly Invitae), Labcorp
Classification: Uncertain significance for Rubinstein-Taybi syndrome. Last evaluated: 2025-05-07. Review status: criteria provided, single submitter. Criteria: Invitae Variant Classification Sherloc (09022015). Collection method: clinical testing. Allele origin: germline.
Comment: This sequence change replaces arginine, which is basic and polar, with histidine, which is basic and polar, at codon 1081 of the CREBBP protein (p.Arg1081His). This variant is not present in population databases (gnomAD no frequency). This variant has not been reported in the literature in individuals affected with CREBBP-related conditions. ClinVar contains an entry for this variant (Variation ID: 2973401). Invitae Evidence Modeling of protein sequence and biophysical properties (such as structural, functional, and spatial information, amino acid conservation, physicochemical variation, residue mobility, and thermodynamic stability) indicates that this missense variant is not expected to disrupt CREBBP protein function with a negative predictive value of 95%. In summary, the available evidence is currently insufficient to determine the role of this variant in disease. Therefore, it has been classified as a Variant of Uncertain Significance.

Fulgent Genetics
Classification: Uncertain significance for Rubinstein-Taybi syndrome due to CREBBP mutations; Menke-Hennekam syndrome 1. Last evaluated: 2024-05-28. Review status: criteria provided, single submitter. Criteria: ACMG Guidelines, 2015. Collection method: clinical testing. Allele origin: germline.